The following is an entry in ClinVar:

NM_001606.5(ABCA2):c.732G>A (p.Ser244=)

Gene: ABCA2 (ATP binding cassette subfamily A member 2; minus strand). Cytogenetic location: 9q34.3.
Variant type: single nucleotide variant.
Coding change: c.732G>A on transcript NM_001606.5 (MANE Select); coding-DNA position 732, G replaced by A.
Protein change: p.Ser244=; no amino-acid change (serine 244 retained).
Molecular consequence: synonymous variant.
Genome position (GRCh38, 1-based): chr9:137,021,557, C>T on the plus strand (G>A on the coding strand, the complement: ABCA2 is on the minus strand). VCF-style: chr9-137021557-C-T. GRCh37 (hg19) VCF-style: chr9-139916009-C-T.
Other names: c.729G>A, p.Ser243= (NM_001411042.1); c.822G>A, p.Ser274= (NM_212533.3).
Identifiers: ClinVar variation 2583076 (VCV002583076.26), dbSNP rs375709058, ClinGen allele CA5355680.

ClinVar aggregate classification (germline): Likely benign. Review status: criteria provided, multiple submitters, no conflicts (2 of 4 stars). 2 submissions from 2 submitters: Likely benign (2). Last evaluated 2026-03-01.

Allele frequency attached by ClinVar (database versions not stated): ESP Exome Variant Server 0.00016; gnomAD 0.00020; TOPMed 0.00023; ExAC 0.00028; 1000 Genomes Project 30x 0.00031.
gnomAD v4.1: 575 of 1,582,154 alleles (0.036%); highest among the groups gnomAD compares: Non-Finnish European, 0.046%; no homozygotes.

Submissions (2):

CeGaT Center for Human Genetics Tuebingen
Classification: Likely benign. Last evaluated: 2026-03-01. Review status: criteria provided, single submitter. Criteria: CeGaT Center For Human Genetics Tuebingen Variant Classification Criteria Version 2. Collection method: clinical testing. Allele origin: germline. Affected: yes. Observed: 3 variant alleles.
Comment: ABCA2: BP4, BP7

Blueprint Genetics
Classification: Likely benign. Last evaluated: 2024-10-22. Review status: criteria provided, single submitter. Criteria: ACMG Guidelines, 2015. Collection method: clinical testing. Allele origin: germline.